The following is an entry in ClinVar:

ClinVar aggregate classification (germline): Uncertain significance. Review status: criteria provided, multiple submitters, no conflicts (2 of 4 stars). 2 submissions from 2 submitters: Uncertain significance (2). Last evaluated 2019-09-28.

Conditions:
Christianson syndrome (MRXSCH). Also called: SLC9A6-Related Syndromic Mental Retardation; INTELLECTUAL DEVELOPMENTAL DISORDER, X-LINKED, SYNDROMIC, CHRISTIANSON TYPE; X-linked mental retardation, syndromic, Christianson type. Identifiers: Orphanet 85278, MedGen C2678194, MONDO:0010278, OMIM 300243.

Allele frequency attached by ClinVar (database versions not stated): gnomAD exomes below 0.00001 and 0.00001.
gnomAD v4.1: 1 of 1,133,763 alleles (0.000088%); highest among the groups gnomAD compares: East Asian, 0.0031%; no homozygotes.

Submissions (2):

Labcorp Genetics (formerly Invitae), Labcorp
Classification: Uncertain significance for Christianson syndrome. Last evaluated: 2019-09-28. Review status: criteria provided, single submitter. Criteria: Invitae Variant Classification Sherloc (09022015). Collection method: clinical testing. Allele origin: germline.
Comment: In summary, the available evidence is currently insufficient to determine the role of this variant in disease. Therefore, it has been classified as a Variant of Uncertain Significance. Algorithms developed to predict the effect of missense changes on protein structure and function are either unavailable or do not agree on the potential impact of this missense change (SIFT: "Tolerated"; PolyPhen-2: "Possibly Damaging"; Align-GVGD: "Class C15"). This variant has not been reported in the literature in individuals with SLC9A6-related conditions. ClinVar contains an entry for this variant (Variation ID: 207238). This variant is not present in population databases (ExAC no frequency). This sequence change replaces arginine with glycine at codon 170 of the SLC9A6 protein (p.Arg170Gly). The arginine residue is highly conserved and there is a moderate physicochemical difference between arginine and glycine.

GeneDx
Classification: Uncertain significance. Last evaluated: 2014-12-23. Review status: criteria provided, single submitter. Criteria: GeneDx Variant Classification (06012015). Collection method: clinical testing. Allele origin: germline. Affected: yes.
Comment: p.Arg170Gly (AGA>GGA): c.508 A>G in exon 4 of the SLC9A6 gene (NM_006359.2) A variant of unknown significance has been identified in the SLC9A6 gene. The R170G variant has not been published as a mutation, nor has it been reported as a benign polymorphism to our knowledge. It was not observed in approximately 6,500 individuals of European and African American ancestry in the NHLBI Exome Sequencing Project, indicating it is not a common benign variant in these populations. The R170G variant is a non-conservative amino acid substitution, which is likely to impact secondary protein structure as these residues differ in polarity, charge, size and/or other properties. In addition, this substitution occurs at a position that is highly conserved across species that is predicted to be within the cytoplasmic loop between transmembrane domains 4 and 5. However, missense mutations in nearby residues have not been reported in association with SLC9A6-related disorders. In silico analysis is inconsistent in its predictions as to whether or not the variant is damaging to the protein structure/function. Therefore, based on the currently available information, it is unclear whether this variant is a pathogenic mutation or a rare benign variant. The variant is found in EPILEPSYV2-1 panel(s).

NM_001379110.1(SLC9A6):c.448A>G (p.Arg150Gly)

Gene: SLC9A6 (solute carrier family 9 member A6; plus strand). Cytogenetic location: Xq26.3.
Variant type: single nucleotide variant.
Coding change: c.448A>G on transcript NM_001379110.1 (MANE Select); coding-DNA position 448, A replaced by G.
Protein change: p.Arg150Gly; replaces arginine 150 with glycine.
Molecular consequence: missense variant.
Genome position (GRCh38, 1-based): chrX:135,998,482, A>G. VCF-style: chrX-135998482-A-G. GRCh37 (hg19) VCF-style: chrX-135080641-A-G.
Other names: p.R170G:AGA>GGA; c.604A>G, p.Arg202Gly (NM_001042537.2); c.448A>G, p.Arg150Gly (NM_001177651.2); c.352A>G, p.Arg118Gly (NM_001330652.2); c.508A>G, p.Arg170Gly (NM_006359.3); short protein forms R170G, R202G, R118G, R150G.
Identifiers: ClinVar variation 207238 (VCV000207238.12), dbSNP rs796053280, ClinGen allele CA318515.